The following is an entry in ClinVar:

ClinVar aggregate classification (germline): Conflicting classifications of pathogenicity. Review status: criteria provided, conflicting classifications (1 of 4 stars). 4 submissions from 4 submitters: Uncertain significance (1); Likely benign (2). 1 of the submissions does not count toward it. Last evaluated 2026-01-28.

Conditions:
TMEM70-related disorder. Also called: TMEM70-related condition.
Mitochondrial complex V (ATP synthase) deficiency, nuclear type 2. Also called: Nuclear-Encoded ATPase Deficiency, TMEM70-Related; ENCEPHALOCARDIOMYOPATHY, MITOCHONDRIAL, NEONATAL, DUE TO ATP SYNTHASE DEFICIENCY; MITOCHONDRIAL COMPLEX V (ATP SYNTHASE) DEFICIENCY, TMEM70 TYPE. Identifiers: Orphanet 1194, MedGen C3279699, MONDO:0013546, OMIM 614052.

Allele frequency attached by ClinVar (database versions not stated): 1000 Genomes Project 0.00040; gnomAD 0.00043 and 0.00048; ESP Exome Variant Server 0.00054; TOPMed 0.00060; 1000 Genomes Project 30x 0.00016.
gnomAD v4.1: 135 of 1,596,344 alleles (0.0085%); highest among the groups gnomAD compares: African/African-American, 0.17%; no homozygotes.

Submissions (4):

Labcorp Genetics (formerly Invitae), Labcorp
Classification: Likely benign for Mitochondrial complex V (ATP synthase) deficiency, nuclear type 2. Last evaluated: 2026-01-28. Review status: criteria provided, single submitter. Criteria: Invitae Variant Classification Sherloc (09022015). Collection method: clinical testing. Allele origin: germline.

Illumina Laboratory Services, Illumina
Classification: Uncertain significance for Mitochondrial complex V (ATP synthase) deficiency, nuclear type 2. Last evaluated: 2018-01-12. Review status: criteria provided, single submitter. Criteria: ICSL Variant Classification Criteria 13 December 2019. Collection method: clinical testing. Allele origin: germline.

GeneDx
Classification: Likely benign. Last evaluated: 2017-11-07. Review status: criteria provided, single submitter. Criteria: GeneDx Variant Classification (06012015). Collection method: clinical testing. Allele origin: germline. Affected: yes.
Comment: This variant is considered likely benign or benign based on one or more of the following criteria: it is a conservative change, it occurs at a poorly conserved position in the protein, it is predicted to be benign by multiple in silico algorithms, and/or has population frequency not consistent with disease.

PreventionGenetics, part of Exact Sciences
Classification: Likely benign for TMEM70-related condition. Last evaluated: 2023-12-26. Review status: no assertion criteria provided. Collection method: clinical testing. Allele origin: germline. Not counted in ClinVar's aggregate classification.
Comment: This variant is classified as likely benign based on ACMG/AMP sequence variant interpretation guidelines (Richards et al. 2015 PMID: 25741868, with internal and published modifications).

NM_017866.6(TMEM70):c.97C>A (p.Arg33=)

Gene: TMEM70 (transmembrane protein 70; plus strand). Cytogenetic location: 8q21.11.
Variant type: single nucleotide variant.
Coding change: c.97C>A on transcript NM_017866.6 (MANE Select); coding-DNA position 97, C replaced by A.
Protein change: p.Arg33=; no amino-acid change (arginine 33 retained).
Molecular consequence: synonymous variant. On other transcripts: non-coding transcript variant (1).
Genome position (GRCh38, 1-based): chr8:73,976,378, C>A. VCF-style: chr8-73976378-C-A. GRCh37 (hg19) VCF-style: chr8-74888613-C-A.
Other names: c.97C>A, p.Arg33= (NM_001040613.3).
Identifiers: ClinVar variation 380675 (VCV000380675.18), dbSNP rs145329086, ClinGen allele CA4783950.
Genomic context (GRCh38, chr8:73,976,378, plus strand): 5'-GAACTGCCTCTCTGCGGAAGGAGGACTGCATTGTGTGCGGCCGCCGCGCTCCGAGGTCCC[C>A]GGGCCTCTGTCTCCCGGGCGTCCTCCAGCAGCGGGCCTTCGGGGCCGGTAGCCGGCTGGA-3'
Protein context (NP_060336.3, residues 23-43): LCAAAALRGP[Arg33=]ASVSRASSSS